The following is an entry in ClinVar:

NM_001080453.3(INTS1):c.6381C>G (p.Tyr2127Ter)

Gene: INTS1 (integrator complex subunit 1; minus strand). Cytogenetic location: 7p22.3.
Variant type: single nucleotide variant.
Coding change: c.6381C>G on transcript NM_001080453.3 (MANE Select); coding-DNA position 6381, C replaced by G.
Protein change: p.Tyr2127Ter; replaces tyrosine 2127 with a stop codon.
Molecular consequence: nonsense.
Genome position (GRCh38, 1-based): chr7:1,470,922, G>C on the plus strand (C>G on the coding strand, the complement: INTS1 is on the minus strand). VCF-style: chr7-1470922-G-C. GRCh37 (hg19) VCF-style: chr7-1510558-G-C.
Other names: short protein forms Y2127*.
Identifiers: ClinVar variation 643062 (VCV000643062.8), dbSNP rs1432925039, ClinGen allele CA366575246.

ClinVar aggregate classification (germline): Pathogenic (1 of 4 stars; one submission).

Allele frequency attached by ClinVar (database versions not stated): gnomAD exomes 0.00001.

Submission:

Labcorp Genetics (formerly Invitae), Labcorp
Classification: Pathogenic. Last evaluated: 2019-12-19. Review status: criteria provided, single submitter. Criteria: Invitae Variant Classification Sherloc (09022015). Collection method: clinical testing. Allele origin: germline.
Comment: For these reasons, this variant has been classified as Pathogenic. Loss-of-function variants in INTS1 are known to be pathogenic (PMID: 28542170, 30622326). Algorithms developed to predict the effect of sequence changes on RNA splicing suggest that this variant may create or strengthen a splice site, but this prediction has not been confirmed by published transcriptional studies. This variant has not been reported in the literature in individuals with INTS1-related conditions. ClinVar contains an entry for this variant (Variation ID: 643062). This variant is not present in population databases (ExAC no frequency). This sequence change creates a premature translational stop signal (p.Tyr2127*) in the INTS1 gene. It is expected to result in an absent or disrupted protein product.

Literature cited by the submitters: PubMed 28542170; PubMed 30622326.